The following is an entry in ClinVar:

ClinVar aggregate classification (germline): Uncertain significance. Review status: criteria provided, multiple submitters, no conflicts (2 of 4 stars). 2 submissions from 2 submitters: Uncertain significance (2). Last evaluated 2025-02-27.

Submissions (2):

Ambry Genetics
Classification: Uncertain significance. Last evaluated: 2025-02-27. Review status: criteria provided, single submitter. Criteria: Ambry Variant Classification Scheme 2023. Collection method: clinical testing. Allele origin: germline.

Labcorp Genetics (formerly Invitae), Labcorp
Classification: Uncertain significance. Last evaluated: 2024-02-29. Review status: criteria provided, single submitter. Criteria: Invitae Variant Classification Sherloc (09022015). Collection method: clinical testing. Allele origin: germline.
Comment: This sequence change replaces glutamine, which is neutral and polar, with arginine, which is basic and polar, at codon 164 of the SLC44A4 protein (p.Gln164Arg). This variant is not present in population databases (gnomAD no frequency). This variant has not been reported in the literature in individuals affected with SLC44A4-related conditions. ClinVar contains an entry for this variant (Variation ID: 2073177). Advanced modeling of protein sequence and biophysical properties (such as structural, functional, and spatial information, amino acid conservation, physicochemical variation, residue mobility, and thermodynamic stability) performed at Invitae indicates that this missense variant is not expected to disrupt SLC44A4 protein function with a negative predictive value of 80%. In summary, the available evidence is currently insufficient to determine the role of this variant in disease. Therefore, it has been classified as a Variant of Uncertain Significance.

NM_025257.3(SLC44A4):c.491A>G (p.Gln164Arg)

Gene: SLC44A4 (solute carrier family 44 member 4; minus strand). Cytogenetic location: 6p21.33.
Variant type: single nucleotide variant.
Coding change: c.491A>G on transcript NM_025257.3 (MANE Select); coding-DNA position 491, A replaced by G.
Protein change: p.Gln164Arg; replaces glutamine 164 with arginine.
Molecular consequence: missense variant.
Genome position (GRCh38, 1-based): chr6:31,874,498, T>C on the plus strand (A>G on the coding strand, the complement: SLC44A4 is on the minus strand). VCF-style: chr6-31874498-T-C. GRCh37 (hg19) VCF-style: chr6-31842275-T-C.
Other names: c.365A>G, p.Gln122Arg (NM_001178044.2); c.263A>G, p.Gln88Arg (NM_001178045.2); c.491A>G, p.Gln164Arg (NM_032794.1); c.491A>G (NM_025257.2); short protein forms Q164R, Q88R, Q122R.
Identifiers: ClinVar variation 2073177 (VCV002073177.5), dbSNP rs2151568451, ClinGen allele CA363377430.